The following is an entry in ClinVar:

ClinVar aggregate classification (germline): Conflicting classifications of pathogenicity. Review status: criteria provided, conflicting classifications (1 of 4 stars). 7 submissions from 7 submitters: Uncertain significance (1); Likely benign (6). Last evaluated 2026-09-21.

Conditions:
TTN-related disorder. Also called: TTN-related disorders; TTN-related condition; TTN-related disease.
Dilated cardiomyopathy 1G (CMD1G). Identifiers: Orphanet 154, MedGen C1858763, MONDO:0011400, OMIM 604145.
Autosomal recessive limb-girdle muscular dystrophy type 2J (LGMDR10). Also called: MUSCULAR DYSTROPHY, LIMB-GIRDLE, AUTOSOMAL RECESSIVE 10; Limb-girdle muscular dystrophy, type 2J. Identifiers: Orphanet 140922, MedGen C1837342, MONDO:0012127, OMIM 608807.

Allele frequency attached by ClinVar (database versions not stated): ExAC 0.00003; gnomAD exomes 0.00003 and 0.00007; gnomAD 0.00004; TOPMed 0.00006.
gnomAD v4.1: 102 of 1,598,478 alleles (0.0064%); highest among the groups gnomAD compares: African/African-American, 0.021%; no homozygotes.

Submissions (7):

Molecular Diagnostic Laboratory for Inherited Cardiovascular Disease, Montreal Heart Institute
Classification: Likely benign. Last evaluated: 2026-09-21. Review status: criteria provided, single submitter. Criteria: ACMG Guidelines, 2015. Collection method: clinical testing. Allele origin: germline. Affected: no.
Comment: BP7

CeGaT Center for Human Genetics Tuebingen
Classification: Likely benign. Last evaluated: 2026-06-01. Review status: criteria provided, single submitter. Criteria: CeGaT Center For Human Genetics Tuebingen Variant Classification Criteria Version 2. Collection method: clinical testing. Allele origin: germline. Affected: yes. Observed: 1 variant allele.
Comment: TTN: BP4, BP7

PreventionGenetics, part of Exact Sciences
Classification: Likely benign for TTN-related condition. Last evaluated: 2026-05-11. Review status: criteria provided, single submitter. Criteria: ACMG Guidelines, 2015. Collection method: clinical testing. Allele origin: germline.
Comment: This variant is classified as likely benign based on ACMG/AMP sequence variant interpretation guidelines (Richards et al. 2015 PMID: 25741868, with internal and published modifications).

Labcorp Genetics (formerly Invitae), Labcorp
Classification: Likely benign for Dilated cardiomyopathy 1G; Autosomal recessive limb-girdle muscular dystrophy type 2J. Last evaluated: 2026-01-31. Review status: criteria provided, single submitter. Criteria: Invitae Variant Classification Sherloc (09022015). Collection method: clinical testing. Allele origin: germline.

Women's Health and Genetics/Laboratory Corporation of America, LabCorp
Classification: Likely benign. Last evaluated: 2025-10-13. Review status: criteria provided, single submitter. Criteria: LabCorp Variant Classification Summary - May 2015. Collection method: clinical testing. Allele origin: germline.

Blueprint Genetics
Classification: Likely benign. Last evaluated: 2024-03-08. Review status: criteria provided, single submitter. Criteria: ACMG Guidelines, 2015. Collection method: clinical testing. Allele origin: germline.

Eurofins Ntd Llc (ga)
Classification: Uncertain significance. Last evaluated: 2015-10-16. Review status: criteria provided, single submitter. Criteria: EGL Classification Definitions 2015. Collection method: clinical testing. Allele origin: germline. Observed: 3 variant alleles, 3 heterozygotes.

NM_001267550.2(TTN):c.24792G>A (p.Pro8264=)

Gene: TTN (titin; minus strand). Cytogenetic location: 2q31.2.
Variant type: single nucleotide variant.
Coding change: c.24792G>A on transcript NM_001267550.2 (MANE Select); coding-DNA position 24792, G replaced by A.
Protein change: p.Pro8264=; no amino-acid change (proline 8264 retained).
Molecular consequence: synonymous variant. On other transcripts: intron variant (3).
Genome position (GRCh38, 1-based): chr2:178,718,214, C>T on the plus strand (G>A on the coding strand, the complement: TTN is on the minus strand). VCF-style: chr2-178718214-C-T. GRCh37 (hg19) VCF-style: chr2-179582941-C-T.
Other names: c.23841G>A, p.Pro7947= (NM_001256850.1); c.21060G>A, p.Pro7020= (NM_133378.4); c.13282+19868G>A (NM_003319.4); c.13858+19868G>A (NM_133437.4); c.13657+19868G>A (NM_133432.3).
Identifiers: ClinVar variation 282099 (VCV000282099.20), dbSNP rs767137418, ClinGen allele CA2000342.
Genomic context (GRCh38, chr2:178,718,214, plus strand): 5'-CTGTAAAGTTGCAGGTTCTCCAATGACTGCTTCCACATGTTCCAGAGGTTCAATAAAGTA[C>T]GGTGGTTCTATGGTACAAAGGATGGTAGTCAGCAAGTCAGTCATGCCATGTAAAAGAGGA-3'
Protein context (NP_001254479.2, residues 8254-8274): CEALVSVLEP[Pro8264=]YFIEPLEHVE